The following is an entry in ClinVar:

NM_001174147.2(LMX1B):c.*4127C>T

Gene: LMX1B (LIM homeobox transcription factor 1 beta; plus strand). Cytogenetic location: 9q33.3.
Variant type: single nucleotide variant.
Coding change: c.*4127C>T on transcript NM_001174147.2 (MANE Select); 4127 bases downstream of the stop codon, C replaced by T.
Molecular consequence: 3 prime UTR variant.
Genome position (GRCh38, 1-based): chr9:126,700,578, C>T. VCF-style: chr9-126700578-C-T. GRCh37 (hg19) VCF-style: chr9-129462857-C-T.
Other names: c.*4127C>T (NM_001174146.2, NM_002316.4).
Identifiers: ClinVar variation 364989 (VCV000364989.5), dbSNP rs146636393, ClinGen allele CA10632513.

ClinVar aggregate classification (germline): Benign (1 of 4 stars; one submission).

Conditions:
Nail-patella syndrome (NPS). Also called: FONG DISEASE; ONYCHOOSTEODYSPLASIA; TURNER-KIESER SYNDROME. Identifiers: Orphanet 2614, MedGen C0027341, MONDO:0008061, OMIM 161200.

Allele frequency attached by ClinVar (database versions not stated): TOPMed 0.00050; 1000 Genomes Project 0.00060; 1000 Genomes Project 30x 0.00062.

Submission:

Illumina Laboratory Services, Illumina
Classification: Benign for Nail-patella syndrome. Last evaluated: 2018-01-13. Review status: criteria provided, single submitter. Criteria: ICSL Variant Classification Criteria 13 December 2019. Collection method: clinical testing. Allele origin: germline.
Comment: This variant was observed in the ICSL laboratory as part of a predisposition screen in an ostensibly healthy population. It had not been previously curated by ICSL or reported in the Human Gene Mutation Database (HGMD: prior to June 1st, 2018), and was therefore a candidate for classification through an automated scoring system. Utilizing variant allele frequency, disease prevalence and penetrance estimates, and inheritance mode, an automated score was calculated to assess if this variant is too frequent to cause the disease. Based on the score and internal cut-off values, a variant classified as benign is not then subjected to further curation. The score for this variant resulted in a classification of benign for this disease.